The following is an entry in ClinVar:

ClinVar aggregate classification (germline): Likely benign. Review status: criteria provided, multiple submitters, no conflicts (2 of 4 stars). 2 submissions from 2 submitters: Likely benign (2). Last evaluated 2025-09-04.

gnomAD v4.1: 2 of 1,550,316 alleles (0.00013%); highest among the groups gnomAD compares: Non-Finnish European, 0.00017%; no homozygotes.

Submissions (2):

Mayo Clinic Laboratories, Mayo Clinic
Classification: Likely benign. Last evaluated: 2025-09-04. Review status: criteria provided, single submitter. Criteria: ACMG Guidelines, 2015. Collection method: clinical testing. Allele origin: germline. Observed: 1 variant allele.
Comment: BP4, BP7, PM2_supporting

Labcorp Genetics (formerly Invitae), Labcorp
Classification: Likely benign. Last evaluated: 2024-11-19. Review status: criteria provided, single submitter. Criteria: Invitae Variant Classification Sherloc (09022015). Collection method: clinical testing. Allele origin: germline.

NM_001367624.2(ZNF469):c.759C>G (p.Ala253=)

Gene: ZNF469 (zinc finger protein 469; plus strand). Cytogenetic location: 16q24.2.
Variant type: single nucleotide variant.
Coding change: c.759C>G on transcript NM_001367624.2 (MANE Select); coding-DNA position 759, C replaced by G.
Protein change: p.Ala253=; no amino-acid change (alanine 253 retained).
Molecular consequence: synonymous variant.
Genome position (GRCh38, 1-based): chr16:88,428,229, C>G. VCF-style: chr16-88428229-C-G. GRCh37 (hg19) VCF-style: chr16-88494637-C-G.
Other names: p.Ala253=.
Identifiers: ClinVar variation 3009794 (VCV003009794.4), dbSNP rs975846019, ClinGen allele CA497353326.